The following is an entry in ClinVar:

NM_016169.4(SUFU):c.1055C>A (p.Ser352Tyr)

Gene: SUFU (SUFU negative regulator of hedgehog signaling; plus strand). Cytogenetic location: 10q24.32.
Variant type: single nucleotide variant.
Coding change: c.1055C>A on transcript NM_016169.4 (MANE Select); coding-DNA position 1055, C replaced by A.
Protein change: p.Ser352Tyr; replaces serine 352 with tyrosine.
Molecular consequence: missense variant.
Genome position (GRCh38, 1-based): chr10:102,615,300, C>A. VCF-style: chr10-102615300-C-A. GRCh37 (hg19) VCF-style: chr10-104375057-C-A.
Other names: c.1055C>A, p.Ser352Tyr (NM_001178133.2); short protein forms S352Y.
Identifiers: ClinVar variation 524653 (VCV000524653.15), dbSNP rs1464341550, ClinGen allele CA377913830.

ClinVar aggregate classification (germline): Uncertain significance. Review status: criteria provided, multiple submitters, no conflicts (2 of 4 stars). 4 submissions from 4 submitters: Uncertain significance (4). Last evaluated 2025-08-15.

Conditions:
Hereditary cancer-predisposing syndrome. Also called: Neoplastic Syndromes, Hereditary; Tumor predisposition; Hereditary neoplastic syndrome; Hereditary Cancer Syndrome. Identifiers: Orphanet 140162, MedGen C0027672, MeSH D009386, MONDO:0015356.
Gorlin syndrome. Also called: Basal cell nevus syndrome; Nevoid Basal Cell Carcinoma Syndrome. Identifiers: Orphanet 377, MedGen C0004779, MONDO:0007187.
Medulloblastoma (MDB). Also called: Medulloblastoma, somatic; MEDULLOBLASTOMA PREDISPOSITION SYNDROME. Identifiers: Orphanet 616, MedGen C0025149, MeSH D008527, MONDO:0007959, OMIM 155255, HP:0002885.

Allele frequency attached by ClinVar (database versions not stated): TOPMed below 0.00001; gnomAD 0.00001.

Submissions (4):

Labcorp Genetics (formerly Invitae), Labcorp
Classification: Uncertain significance for Gorlin syndrome; Medulloblastoma. Last evaluated: 2025-08-15. Review status: criteria provided, single submitter. Criteria: Invitae Variant Classification Sherloc (09022015). Collection method: clinical testing. Allele origin: germline.
Comment: This sequence change replaces serine, which is neutral and polar, with tyrosine, which is neutral and polar, at codon 352 of the SUFU protein (p.Ser352Tyr). This variant is not present in population databases (gnomAD no frequency). This variant has not been reported in the literature in individuals affected with SUFU-related conditions. ClinVar contains an entry for this variant (Variation ID: 524653). Invitae Evidence Modeling of protein sequence and biophysical properties (such as structural, functional, and spatial information, amino acid conservation, physicochemical variation, residue mobility, and thermodynamic stability) indicates that this missense variant is not expected to disrupt SUFU protein function with a negative predictive value of 80%. In summary, the available evidence is currently insufficient to determine the role of this variant in disease. Therefore, it has been classified as a Variant of Uncertain Significance.

Ambry Genetics
Classification: Uncertain significance for Hereditary cancer-predisposing syndrome. Last evaluated: 2025-05-29. Review status: criteria provided, single submitter. Criteria: Ambry Variant Classification Scheme 2023. Collection method: clinical testing. Allele origin: germline.
Comment: The p.S352Y variant (also known as c.1055C>A), located in coding exon 9 of the SUFU gene, results from a C to A substitution at nucleotide position 1055. The serine at codon 352 is replaced by tyrosine, an amino acid with dissimilar properties. This amino acid position is highly conserved in available vertebrate species. In addition, the in silico prediction for this alteration is inconclusive. Since supporting evidence is limited at this time, the clinical significance of this alteration remains unclear.

Center for Genomic Medicine, Rigshospitalet, Copenhagen University Hospital
Classification: Uncertain significance. Last evaluated: 2025-03-04. Review status: criteria provided, single submitter. Criteria: ACMG Guidelines, 2015. Collection method: clinical testing. Allele origin: germline.

GeneDx
Classification: Uncertain significance. Last evaluated: 2022-08-23. Review status: criteria provided, single submitter. Criteria: GeneDx Variant Classification Process June 2021. Collection method: clinical testing. Allele origin: germline. Affected: yes.
Comment: Not observed at significant frequency in large population cohorts (gnomAD); In silico analysis supports that this missense variant does not alter protein structure/function; Has not been previously published as pathogenic or benign to our knowledge